The following is an entry in ClinVar:

ClinVar aggregate classification (germline): Uncertain significance. Review status: criteria provided, multiple submitters, no conflicts (2 of 4 stars). 2 submissions from 2 submitters: Uncertain significance (2). Last evaluated 2024-07-14.

Conditions:
Inborn genetic diseases. Identifiers: MedGen C0950123, MeSH D030342.

Allele frequency attached by ClinVar (database versions not stated): TOPMed 0.00002; gnomAD exomes 0.00003; gnomAD 0.00005; ExAC 0.00007; ESP Exome Variant Server 0.00009.

Submissions (2):

Ambry Genetics
Classification: Uncertain significance for Inborn genetic diseases. Last evaluated: 2024-07-14. Review status: criteria provided, single submitter. Criteria: Ambry Variant Classification Scheme 2023. Collection method: clinical testing. Allele origin: germline.

Labcorp Genetics (formerly Invitae), Labcorp
Classification: Uncertain significance. Last evaluated: 2023-10-03. Review status: criteria provided, single submitter. Criteria: Invitae Variant Classification Sherloc (09022015). Collection method: clinical testing. Allele origin: germline.
Comment: This sequence change replaces arginine, which is basic and polar, with tryptophan, which is neutral and slightly polar, at codon 146 of the GPR143 protein (p.Arg146Trp). The frequency data for this variant in the population databases is considered unreliable, as metrics indicate poor data quality at this position in the gnomAD database. This variant has not been reported in the literature in individuals affected with GPR143-related conditions. ClinVar contains an entry for this variant (Variation ID: 2187444). Advanced modeling of protein sequence and biophysical properties (such as structural, functional, and spatial information, amino acid conservation, physicochemical variation, residue mobility, and thermodynamic stability) performed at Invitae indicates that this missense variant is expected to disrupt GPR143 protein function. Algorithms developed to predict the effect of sequence changes on RNA splicing suggest that this variant may disrupt the consensus splice site. In summary, the available evidence is currently insufficient to determine the role of this variant in disease. Therefore, it has been classified as a Variant of Uncertain Significance.

NM_000273.3(GPR143):c.436C>T (p.Arg146Trp)

Gene: GPR143 (G protein-coupled receptor 143; minus strand). Cytogenetic location: Xp22.2.
Variant type: single nucleotide variant.
Coding change: c.436C>T on transcript NM_000273.3 (MANE Select); coding-DNA position 436, C replaced by T.
Protein change: p.Arg146Trp; replaces arginine 146 with tryptophan.
Molecular consequence: missense variant.
Genome position (GRCh38, 1-based): chrX:9,759,351, G>A on the plus strand (C>T on the coding strand, the complement: GPR143 is on the minus strand). VCF-style: chrX-9759351-G-A. GRCh37 (hg19) VCF-style: chrX-9727391-G-A.
Other names: c.436C>T (NM_000273.2); short protein forms R146W.
Identifiers: ClinVar variation 2187444 (VCV002187444.5), dbSNP rs201830411, ClinGen allele CA10345034.